The following is an entry in ClinVar:

ClinVar aggregate classification (germline): Likely benign (1 of 4 stars; one submission).

Submission:

GeneDx
Classification: Likely benign. Last evaluated: 2016-02-04. Review status: criteria provided, single submitter. Criteria: GeneDx Variant Classification (06012015). Collection method: clinical testing. Allele origin: germline. Affected: yes.
Comment: This variant is considered likely benign or benign based on one or more of the following criteria: it is a conservative change, it occurs at a poorly conserved position in the protein, it is predicted to be benign by multiple in silico algorithms, and/or has population frequency not consistent with disease.

NM_004519.4(KCNQ3):c.1638G>A (p.Val546=)

Gene: KCNQ3 (potassium voltage-gated channel subfamily Q member 3; minus strand). Cytogenetic location: 8q24.22.
Variant type: single nucleotide variant.
Coding change: c.1638G>A on transcript NM_004519.4 (MANE Select); coding-DNA position 1638, G replaced by A.
Protein change: p.Val546=; no amino-acid change (valine 546 retained).
Molecular consequence: synonymous variant.
Genome position (GRCh38, 1-based): chr8:132,137,947, C>T on the plus strand (G>A on the coding strand, the complement: KCNQ3 is on the minus strand). VCF-style: chr8-132137947-C-T. GRCh37 (hg19) VCF-style: chr8-133150194-C-T.
Other names: c.1278G>A, p.Val426= (NM_001204824.2).
Identifiers: ClinVar variation 383107 (VCV000383107.1), dbSNP rs765209359, ClinGen allele CA16605174.